The following is an entry in ClinVar:

ClinVar aggregate classification (germline): Uncertain significance (1 of 4 stars; one submission).

Conditions:
Oligodontia-cancer predisposition syndrome. Also called: TOOTH AGENESIS-COLORECTAL CANCER SYNDROME. Identifiers: Orphanet 300576, MedGen C1837750, MONDO:0012075, OMIM 608615. Disease mechanism: loss of function.

Submission:

Labcorp Genetics (formerly Invitae), Labcorp
Classification: Uncertain significance for Oligodontia-cancer predisposition syndrome. Last evaluated: 2023-08-16. Review status: criteria provided, single submitter. Criteria: Invitae Variant Classification Sherloc (09022015). Collection method: clinical testing. Allele origin: germline.
Comment: This sequence change replaces lysine, which is basic and polar, with arginine, which is basic and polar, at codon 631 of the AXIN2 protein (p.Lys631Arg). In summary, the available evidence is currently insufficient to determine the role of this variant in disease. Therefore, it has been classified as a Variant of Uncertain Significance. Advanced modeling of protein sequence and biophysical properties (such as structural, functional, and spatial information, amino acid conservation, physicochemical variation, residue mobility, and thermodynamic stability) performed at Invitae indicates that this missense variant is not expected to disrupt AXIN2 protein function. This variant has not been reported in the literature in individuals affected with AXIN2-related conditions. This variant is not present in population databases (gnomAD no frequency).

NM_004655.4(AXIN2):c.1892A>G (p.Lys631Arg)

Gene: AXIN2 (axin 2; minus strand). Cytogenetic location: 17q24.1.
Variant type: single nucleotide variant.
Coding change: c.1892A>G on transcript NM_004655.4 (MANE Select); coding-DNA position 1892, A replaced by G.
Protein change: p.Lys631Arg; replaces lysine 631 with arginine.
Molecular consequence: missense variant. On other transcripts: intron variant (1).
Genome position (GRCh38, 1-based): chr17:65,536,884, T>C on the plus strand (A>G on the coding strand, the complement: AXIN2 is on the minus strand). VCF-style: chr17-65536884-T-C. GRCh37 (hg19) VCF-style: chr17-63533002-T-C.
Other names: c.1713-331A>G (NM_001363813.1); short protein forms K631R.
Identifiers: ClinVar variation 2752640 (VCV002752640.3), dbSNP rs139945372, ClinGen allele CA400676400.